The following is an entry in ClinVar:

NM_001367721.1(CASK):c.429+11419A>G

Genes: CASK (calcium/calmodulin dependent serine protein kinase; minus strand), GPR82 (G protein-coupled receptor 82; plus strand). Cytogenetic location: Xp11.4.
Variant type: single nucleotide variant.
Coding change: c.429+11419A>G on transcript NM_001367721.1 (MANE Select); 11419 bases into the intron after coding-DNA position 429, A replaced by G.
Molecular consequence: intron variant. On other transcripts: synonymous variant (1).
Genome position (GRCh38, 1-based): chrX:41,727,965, T>C on the plus strand (A>G on the coding strand, the complement: CASK is on the minus strand). VCF-style: chrX-41727965-T-C. GRCh37 (hg19) VCF-style: chrX-41587218-T-C.
Other names: c.939T>C, p.Asp313= (NM_080817.5); c.429+11419A>G (NM_001126055.3, NM_001410745.1, NM_001126054.3 and 1 more transcripts).
Identifiers: ClinVar variation 158075 (VCV000158075.7), dbSNP rs1023065, ClinGen allele CA171482.
Genomic context (GRCh38, chrX:41,727,965, plus strand): 5'-TCTCACCTGTCTTGCTTCGGCCAGAAGTAGCACAGACCCCATTATATTTCTTTTATTAGA[T>C]AAAACATTCAAGAAGACACTATATAATCTCTTTACAAAGTCTAATTCAGCACATATGCAA-3'

ClinVar aggregate classification (germline): Benign. Review status: criteria provided, single submitter (1 of 4 stars). 2 submissions from 2 submitters: Benign (1). 1 of the submissions does not count toward it.

Allele frequency attached by ClinVar (database versions not stated): gnomAD exomes 0.81164; TOPMed 0.82128; gnomAD 0.79628; ESP Exome Variant Server 0.80623; ExAC 0.83419; 1000 Genomes Project 0.86517; 1000 Genomes Project 30x 0.86909.

Submissions (2):

Breakthrough Genomics
Classification: Benign. Review status: criteria provided, single submitter. Criteria: ACMG Guidelines, 2015. Collection method: not provided. Allele origin: germline. Inheritance: X-linked inheritance. Affected: yes.

Genetic Services Laboratory, University of Chicago
Classification: Likely benign. Review status: no assertion criteria provided. Collection method: clinical testing. Allele origin: germline. Inheritance: X-linked inheritance. Not counted in ClinVar's aggregate classification.
Comment: Likely benign based on allele frequency in 1000 Genomes Project or ESP global frequency and its presence in a patient with a rare or unrelated disease phenotype. NOT Sanger confirmed